The following is an entry in ClinVar:

ClinVar aggregate classification (germline): Likely pathogenic (1 of 4 stars; one submission).

Conditions:
Citrullinemia. Identifiers: Orphanet 187, MedGen C0175683, MONDO:0015991.

gnomAD v4.1: 2 of 1,614,194 alleles (0.00012%); highest among the groups gnomAD compares: South Asian, 0.0022%; no homozygotes.

Submission:

Natera, Inc.
Classification: Likely pathogenic for Citrullinemia. Last evaluated: 2024-08-25. Review status: criteria provided, single submitter. Criteria: Natera Variant Classification Schema (03/2026). Collection method: clinical testing. Allele origin: germline.
Comment: The c.1291G>T variant in SLC25A13 is a nonsense variant predicted to introduce a stop codon at amino acid 431. This variant is expected to result in nonsense mediated decay, truncation, or a dysfunctional protein product. This variant is rare in the general population with a frequency below the threshold expected for the associated phenotype(s). Given the available evidence, this variant is classified as Likely Pathogenic.

NM_014251.3(SLC25A13):c.1291G>T (p.Glu431Ter)

Gene: SLC25A13 (solute carrier family 25 member 13; minus strand). Cytogenetic location: 7q21.3.
Variant type: single nucleotide variant.
Coding change: c.1291G>T on transcript NM_014251.3 (MANE Select); coding-DNA position 1291, G replaced by T.
Protein change: p.Glu431Ter; replaces glutamic acid 431 with a stop codon.
Molecular consequence: nonsense. On other transcripts: non-coding transcript variant (1).
Genome position (GRCh38, 1-based): chr7:96,170,065, C>A on the plus strand (G>T on the coding strand, the complement: SLC25A13 is on the minus strand). VCF-style: chr7-96170065-C-A. GRCh37 (hg19) VCF-style: chr7-95799377-C-A.
Other names: c.1294G>T, p.Glu432Ter (NM_001160210.2); short protein forms E431*, E432*.
Identifiers: ClinVar variation 4815629 (VCV004815629.1).